The following is an entry in ClinVar:

NM_006421.5(ARFGEF1):c.996_1005del (p.Val333fs)

Gene: ARFGEF1 (ARF guanine nucleotide exchange factor 1; minus strand). Cytogenetic location: 8q13.2.
Variant type: Deletion.
Coding change: c.996_1005del on transcript NM_006421.5 (MANE Select); coding-DNA positions 996 to 1005, 10 bases deleted (TGTAGAAGAA; older notation c.996_1005delTGTAGAAGAA).
Protein change: p.Val333fs; shifts the reading frame from valine 333.
Molecular consequence: frameshift variant. On other transcripts: 5 prime UTR variant (1), non-coding transcript variant (1).
Genome position (GRCh38, 1-based): chr8:67,287,977-67,287,986, TTCTTCTACA deleted on the plus strand (TGTAGAAGAA on the coding strand, the reverse complement: ARFGEF1 is on the minus strand). VCF-style (leftmost placement, unchanged base first): chr8-67287976-TTTCTTCTACA-T. GRCh37 (hg19) VCF-style: chr8-68200211-TTTCTTCTACA-T.
Other names: c.996_1005del, p.Val333fs (NM_001413184.1, NM_001413185.1, NM_001413186.1 and 7 more transcripts); c.396_405del, p.Val133fs (NM_001413188.1, NM_001413193.1, NM_001413197.1); c.-120_-111del (NM_001413196.1); short protein forms V133fs, V333fs.
Identifiers: ClinVar variation 2664990 (VCV002664990.3), dbSNP rs2491808665, ClinGen allele CA2695201494.
Genomic context (GRCh38, chr8:67,287,976, plus strand): 5'-CATAGACAGAGTAAAATAATTTTGAATGAAGTATACTACCTCCAACAACAATGTTCACCA[TTTCTTCTACA>T]ATGTTCTGTACAATGTCTTGTGGCTTTTCCTCACAATCATGGTTTTCTCCGTCATATAAC-3'

ClinVar aggregate classification (germline): Pathogenic (1 of 4 stars; one submission).

Conditions:
Developmental delay, impaired speech, and behavioral abnormalities, with or without seizures (DEDISB). Identifiers: MedGen C5575272, MONDO:0859263, OMIM 619964.

Submission:

Institute of Human Genetics, University of Leipzig Medical Center
Classification: Pathogenic for Developmental delay, impaired speech, and behavioral abnormalities, with or without seizures. Last evaluated: 2025-03-04. Review status: criteria provided, single submitter. Criteria: ACMG Guidelines, 2015. Collection method: clinical testing. Allele origin: maternal. Inheritance: Autosomal dominant inheritance. Affected: yes.
Comment: Criteria applied: PVS1,PM2